The following is an entry in ClinVar:

NM_001001957.2(OR2W3):c.778A>G (p.Met260Val)

Gene: OR2W3 (olfactory receptor family 2 subfamily W member 3; plus strand). Cytogenetic location: 1q44.
Variant type: single nucleotide variant.
Coding change: c.778A>G on transcript NM_001001957.2 (MANE Select); coding-DNA position 778, A replaced by G.
Protein change: p.Met260Val; replaces methionine 260 with valine.
Molecular consequence: missense variant.
Genome position (GRCh38, 1-based): chr1:247,896,364, A>G. VCF-style: chr1-247896364-A-G. GRCh37 (hg19) VCF-style: chr1-248059666-A-G.
Other names: short protein forms M260V.
Identifiers: ClinVar variation 1353988 (VCV001353988.7), dbSNP rs371060691, ClinGen allele CA1498681.

ClinVar aggregate classification (germline): Uncertain significance. Review status: criteria provided, multiple submitters, no conflicts (2 of 4 stars). 2 submissions from 2 submitters: Uncertain significance (2). Last evaluated 2025-07-22.

Allele frequency attached by ClinVar (database versions not stated): gnomAD 0.00003; ExAC 0.00004; ESP Exome Variant Server 0.00008.
gnomAD v4.1: 81 of 1,614,020 alleles (0.005%); highest among the groups gnomAD compares: Middle Eastern, 0.13%; no homozygotes.

Submissions (2):

Labcorp Genetics (formerly Invitae), Labcorp
Classification: Uncertain significance. Last evaluated: 2025-07-22. Review status: criteria provided, single submitter. Criteria: Invitae Variant Classification Sherloc (09022015). Collection method: clinical testing. Allele origin: germline.
Comment: This sequence change replaces methionine, which is neutral and non-polar, with valine, which is neutral and non-polar, at codon 260 of the OR2W3 protein (p.Met260Val). This variant is present in population databases (rs371060691, gnomAD 0.007%). This variant has not been reported in the literature in individuals affected with OR2W3-related conditions. ClinVar contains an entry for this variant (Variation ID: 1353988). An algorithm developed to predict the effect of missense changes on protein structure and function (PolyPhen-2) suggests that this variant is likely to be tolerated. In summary, the available evidence is currently insufficient to determine the role of this variant in disease. Therefore, it has been classified as a Variant of Uncertain Significance.

Ambry Genetics
Classification: Uncertain significance. Last evaluated: 2024-01-23. Review status: criteria provided, single submitter. Criteria: Ambry Variant Classification Scheme 2023. Collection method: clinical testing. Allele origin: germline.